The following is an entry in ClinVar:

NM_003995.4(NPR2):c.1085T>C (p.Leu362Pro)

Gene: NPR2 (natriuretic peptide receptor 2; plus strand). Cytogenetic location: 9p13.3.
Variant type: single nucleotide variant.
Coding change: c.1085T>C on transcript NM_003995.4 (MANE Select); coding-DNA position 1085, T replaced by C.
Protein change: p.Leu362Pro; replaces leucine 362 with proline.
Molecular consequence: missense variant.
Genome position (GRCh38, 1-based): chr9:35,800,119, T>C. VCF-style: chr9-35800119-T-C. GRCh37 (hg19) VCF-style: chr9-35800116-T-C.
Other names: c.1085T>C, p.Leu362Pro (NM_001378923.1); short protein forms L362P.
Identifiers: ClinVar variation 4793636 (VCV004793636.1).

ClinVar aggregate classification (germline): Uncertain significance (1 of 4 stars; one submission).

Conditions:
Tall stature-scoliosis-macrodactyly of the great toes syndrome. Also called: Epiphyseal chondrodysplasia, miura type. Identifiers: Orphanet 329191, MedGen C4014690, MONDO:0014401, OMIM 615923.
Acromesomelic dysplasia 1, Maroteaux type (AMD1). Also called: ST. HELENA DYSPLASIA; ACROMESOMELIC DYSPLASIA 1. Identifiers: Orphanet 40, MedGen C1864356, MONDO:0011275, OMIM 602875.

gnomAD v4.1: 3 of 1,613,936 alleles (0.00019%); highest among the groups gnomAD compares: East Asian, 0.0022%; no homozygotes.

Submission:

Labcorp Genetics (formerly Invitae), Labcorp
Classification: Uncertain significance for Tall stature-scoliosis-macrodactyly of the great toes syndrome; Acromesomelic dysplasia 1, Maroteaux type. Last evaluated: 2025-12-23. Review status: criteria provided, single submitter. Criteria: Invitae Variant Classification Sherloc (09022015). Collection method: clinical testing. Allele origin: germline.
Comment: This sequence change replaces leucine, which is neutral and non-polar, with proline, which is neutral and non-polar, at codon 362 of the NPR2 protein (p.Leu362Pro). This variant is present in population databases (rs759207364, gnomAD 0.006%). This variant has not been reported in the literature in individuals affected with NPR2-related conditions. Invitae Evidence Modeling of protein sequence and biophysical properties (such as structural, functional, and spatial information, amino acid conservation, physicochemical variation, residue mobility, and thermodynamic stability) indicates that this missense variant is not expected to disrupt NPR2 protein function with a negative predictive value of 80%. In summary, the available evidence is currently insufficient to determine the role of this variant in disease. Therefore, it has been classified as a Variant of Uncertain Significance.